The following is an entry in ClinVar:

ClinVar aggregate classification (germline): Uncertain significance (1 of 4 stars; one submission).

Submission:

GeneDx
Classification: Uncertain significance. Last evaluated: 2022-04-01. Review status: criteria provided, single submitter. Criteria: GeneDx Variant Classification Process June 2021. Collection method: clinical testing. Allele origin: germline. Affected: yes.
Comment: Not observed at significant frequency in large population cohorts (gnomAD); In silico analysis supports that this missense variant has a deleterious effect on protein structure/function; Has not been previously published as pathogenic or benign to our knowledge

NM_201253.3(CRB1):c.3511G>T (p.Gly1171Trp)

Gene: CRB1 (crumbs cell polarity complex component 1; plus strand). Cytogenetic location: 1q31.3.
Variant type: single nucleotide variant.
Coding change: c.3511G>T on transcript NM_201253.3 (MANE Select); coding-DNA position 3511, G replaced by T.
Protein change: p.Gly1171Trp; replaces glycine 1171 with tryptophan.
Molecular consequence: missense variant. On other transcripts: non-coding transcript variant (2), intron variant (1).
Genome position (GRCh38, 1-based): chr1:197,435,374, G>T. VCF-style: chr1-197435374-G-T. GRCh37 (hg19) VCF-style: chr1-197404504-G-T.
Other names: c.3175G>T, p.Gly1059Trp (NM_001193640.2); c.3439G>T, p.Gly1147Trp (NM_001257965.2); c.2129-226G>T (NM_001257966.2); short protein forms G1059W, G1147W, G1171W.
Identifiers: ClinVar variation 1712110 (VCV001712110.2), dbSNP rs2528203139, ClinGen allele CA344048475.